The following is an entry in ClinVar:

NM_003072.5(SMARCA4):c.579G>A (p.Gly193=)

Gene: SMARCA4 (SWI/SNF related BAF chromatin remodeling complex subunit ATPase 4; plus strand). Cytogenetic location: 19p13.2.
Variant type: single nucleotide variant.
Coding change: c.579G>A on transcript NM_003072.5 (MANE Select); coding-DNA position 579, G replaced by A.
Protein change: p.Gly193=; no amino-acid change (glycine 193 retained).
Molecular consequence: synonymous variant. On other transcripts: non-coding transcript variant (1).
Genome position (GRCh38, 1-based): chr19:10,986,412, G>A. VCF-style: chr19-10986412-G-A. GRCh37 (hg19) VCF-style: chr19-11097088-G-A.
Other names: c.579G>A, p.Gly193= (NM_001128844.3, NM_001128845.2, NM_001128846.2 and 5 more transcripts).
Identifiers: ClinVar variation 1135344 (VCV001135344.12), dbSNP rs752304124, ClinGen allele CA9203526.

ClinVar aggregate classification (germline): Benign/Likely benign. Review status: criteria provided, multiple submitters, no conflicts (2 of 4 stars). 3 submissions from 3 submitters: Benign (1); Likely benign (2). Last evaluated 2026-07-09.

Conditions:
Rhabdoid tumor predisposition syndrome 2 (RTPS2). Identifiers: Orphanet 231108, Orphanet 69077, MedGen C2750074, MONDO:0013224, OMIM 613325.
Hereditary cancer-predisposing syndrome. Also called: Hereditary Cancer Syndrome; Hereditary neoplastic syndrome; Neoplastic Syndromes, Hereditary; Tumor predisposition. Identifiers: Orphanet 140162, MedGen C0027672, MeSH D009386, MONDO:0015356.

Allele frequency attached by ClinVar (database versions not stated): ExAC 0.00003; gnomAD exomes 0.00001; TOPMed 0.00001; gnomAD 0.00001.

Submissions (3):

Myriad Genetics, Inc.
Classification: Benign for Rhabdoid tumor predisposition syndrome 2. Last evaluated: 2026-07-09. Review status: criteria provided, single submitter. Criteria: Myriad Autosomal Dominant, Autosomal Recessive and X-Linked Classification Criteria (2023). Collection method: clinical testing. Allele origin: unknown.
Comment: This variant is considered benign. This variant is a silent/synonymous amino acid change and it is not expected to impact splicing.

Labcorp Genetics (formerly Invitae), Labcorp
Classification: Likely benign for Rhabdoid tumor predisposition syndrome 2. Last evaluated: 2025-12-21. Review status: criteria provided, single submitter. Criteria: Invitae Variant Classification Sherloc (09022015). Collection method: clinical testing. Allele origin: germline.

Ambry Genetics
Classification: Likely benign for Hereditary cancer-predisposing syndrome. Last evaluated: 2020-02-07. Review status: criteria provided, single submitter. Criteria: Ambry Variant Classification Scheme 2023. Collection method: clinical testing. Allele origin: germline.